The following is an entry in ClinVar:

ClinVar aggregate classification (germline): Uncertain significance (1 of 4 stars; one submission).

Conditions:
PLXNA2-related disorder. Also called: PLXNA2-related condition.

Submission:

PreventionGenetics, part of Exact Sciences
Classification: Uncertain significance for PLXNA2-related condition. Last evaluated: 2025-11-26. Review status: criteria provided, single submitter. Criteria: ACMG Guidelines, 2015. Collection method: clinical testing. Allele origin: germline.
Comment: The PLXNA2 c.769A>G variant is predicted to result in the amino acid substitution p.Thr257Ala. To our knowledge, this variant has not been reported in the literature or in a large population database (gnomAD), indicating this variant is rare. At this time, the clinical significance of this variant is uncertain due to the absence of conclusive functional and genetic evidence.

NM_025179.4(PLXNA2):c.769A>G (p.Thr257Ala)

Gene: PLXNA2 (plexin A2; minus strand). Cytogenetic location: 1q32.2.
Variant type: single nucleotide variant.
Coding change: c.769A>G on transcript NM_025179.4 (MANE Select); coding-DNA position 769, A replaced by G.
Protein change: p.Thr257Ala; replaces threonine 257 with alanine.
Molecular consequence: missense variant.
Genome position (GRCh38, 1-based): chr1:208,217,154, T>C on the plus strand (A>G on the coding strand, the complement: PLXNA2 is on the minus strand). VCF-style: chr1-208217154-T-C. GRCh37 (hg19) VCF-style: chr1-208390499-T-C.
Other names: short protein forms T257A.
Identifiers: ClinVar variation 4978846 (VCV004978846.1).